The following is an entry in ClinVar:

NM_001142864.4(PIEZO1):c.4632G>A (p.Arg1544=)

Gene: PIEZO1 (piezo type mechanosensitive ion channel component 1 (Er blood group); minus strand). Cytogenetic location: 16q24.3.
Variant type: single nucleotide variant.
Coding change: c.4632G>A on transcript NM_001142864.4 (MANE Select); coding-DNA position 4632, G replaced by A.
Protein change: p.Arg1544=; no amino-acid change (arginine 1544 retained).
Molecular consequence: synonymous variant.
Genome position (GRCh38, 1-based): chr16:88,722,873, C>T on the plus strand (G>A on the coding strand, the complement: PIEZO1 is on the minus strand). VCF-style: chr16-88722873-C-T. GRCh37 (hg19) VCF-style: chr16-88789281-C-T.
Identifiers: ClinVar variation 3357977 (VCV003357977.2).

ClinVar aggregate classification (germline): Likely benign. Review status: criteria provided, single submitter (1 of 4 stars). 2 submissions from 2 submitters: Likely benign (1). 1 of the submissions does not count toward it. Last evaluated 2024-03-27.

Conditions:
PIEZO1-related disorder. Also called: PIEZO1-related condition; PIEZO1-Related Disorders.

gnomAD v4.1: 89 of 1,548,280 alleles (0.0057%); highest among the groups gnomAD compares: Non-Finnish European, 0.0074%; no homozygotes.

Submissions (2):

ARUP Laboratories, Molecular Genetics and Genomics, ARUP Laboratories
Classification: Likely benign. Last evaluated: 2024-03-27. Review status: criteria provided, single submitter. Criteria: ARUP Molecular Germline Variant Investigation Process 2024. Collection method: clinical testing. Allele origin: germline.

PreventionGenetics, part of Exact Sciences
Classification: Likely benign for PIEZO1-related condition. Last evaluated: 2024-05-03. Review status: no assertion criteria provided. Collection method: clinical testing. Allele origin: germline. Not counted in ClinVar's aggregate classification.
Comment: This variant is classified as likely benign based on ACMG/AMP sequence variant interpretation guidelines (Richards et al. 2015 PMID: 25741868, with internal and published modifications).